The following is an entry in ClinVar:

ClinVar aggregate classification (germline): Likely pathogenic (1 of 4 stars; one submission).

Conditions:
Dilated cardiomyopathy 1G (CMD1G). Identifiers: Orphanet 154, MedGen C1858763, MONDO:0011400, OMIM 604145.
Autosomal recessive limb-girdle muscular dystrophy type 2J (LGMDR10). Also called: Limb-girdle muscular dystrophy, type 2J; MUSCULAR DYSTROPHY, LIMB-GIRDLE, AUTOSOMAL RECESSIVE 10. Identifiers: Orphanet 140922, MedGen C1837342, MONDO:0012127, OMIM 608807.

Submission:

Labcorp Genetics (formerly Invitae), Labcorp
Classification: Likely pathogenic for Dilated cardiomyopathy 1G; Autosomal recessive limb-girdle muscular dystrophy type 2J. Last evaluated: 2025-02-16. Review status: criteria provided, single submitter. Criteria: Invitae Variant Classification Sherloc (09022015). Collection method: clinical testing. Allele origin: germline.
Comment: This sequence change creates a premature translational stop signal (p.Glu32712Argfs*26) in the TTN gene. While this is not anticipated to result in nonsense mediated decay, it is expected to create a truncated TTN protein. This variant is not present in population databases (gnomAD no frequency). This premature translational stop signal has been observed in individual(s) with dilated cardiomyopathy (internal data). This variant is located in the A band of TTN (PMID: 25589632). Truncating variants in this region are significantly overrepresented in patients affected with dilated cardiomyopathy (PMID: 25589632). Truncating variants in this region have also been reported in individuals affected with autosomal recessive centronuclear myopathy (PMID: 23975875). In summary, the currently available evidence indicates that the variant is pathogenic, but additional data are needed to prove that conclusively. Therefore, this variant has been classified as Likely Pathogenic.

Literature cited by the submitters: PubMed 25589632; PubMed 23975875.

NM_001267550.2(TTN):c.98133dup (p.Glu32712fs)

Genes: TTN-AS1 (TTN antisense RNA 1; plus strand), TTN (titin; minus strand). Cytogenetic location: 2q31.2.
Variant type: Duplication.
Coding change: c.98133dup on transcript NM_001267550.2 (MANE Select); coding-DNA position 98133, one base duplicated (A; older notation c.98133dupA).
Protein change: p.Glu32712fs; shifts the reading frame from glutamic acid 32712.
Molecular consequence: frameshift variant.
Genome position (GRCh38, 1-based): chr2:178,539,932, T duplicated on the plus strand (A on the coding strand, the reverse complement: TTN is on the minus strand); the first of 2 consecutive T bases (chr2:178,539,932-178,539,933); duplicating either gives the same sequence. VCF-style (leftmost placement, unchanged base first): chr2-178539931-C-CT. GRCh37 (hg19) VCF-style: chr2-179404658-C-CT.
Other names: c.93210dup, p.Glu31071fs (NM_001256850.1); c.70938dup, p.Glu23647fs (NM_003319.4); c.90429dup, p.Glu30144fs (NM_133378.4); c.71313dup, p.Glu23772fs (NM_133432.3); c.71514dup, p.Glu23839fs (NM_133437.4); short protein forms E23647fs, E23772fs, E23839fs, E30144fs, E31071fs, E32712fs.
Identifiers: ClinVar variation 3756406 (VCV003756406.2).